The following is an entry in ClinVar:

NM_004714.3(DYRK1B):c.1572G>T (p.Lys524Asn)

Gene: DYRK1B (dual specificity tyrosine phosphorylation regulated kinase 1B; minus strand). Cytogenetic location: 19q13.2.
Variant type: single nucleotide variant.
Coding change: c.1572G>T on transcript NM_004714.3 (MANE Select); coding-DNA position 1572, G replaced by T.
Protein change: p.Lys524Asn; replaces lysine 524 with asparagine.
Molecular consequence: missense variant.
Genome position (GRCh38, 1-based): chr19:39,826,033, C>A on the plus strand (G>T on the coding strand, the complement: DYRK1B is on the minus strand). VCF-style: chr19-39826033-C-A. GRCh37 (hg19) VCF-style: chr19-40316673-C-A.
Other names: c.1452G>T, p.Lys484Asn (NM_006483.3); c.1488G>T, p.Lys496Asn (NM_006484.3); short protein forms K524N, K496N, K484N.
Identifiers: ClinVar variation 4977795 (VCV004977795.1).

ClinVar aggregate classification (germline): Uncertain significance (1 of 4 stars; one submission).

Conditions:
DYRK1B-related disorder. Also called: DYRK1B-related condition.

Submission:

PreventionGenetics, part of Exact Sciences
Classification: Uncertain significance for DYRK1B-related condition. Last evaluated: 2025-12-19. Review status: criteria provided, single submitter. Criteria: ACMG Guidelines, 2015. Collection method: clinical testing. Allele origin: germline.
Comment: The DYRK1B c.1572G>T variant is predicted to result in the amino acid substitution p.Lys524Asn. To our knowledge, this variant has not been reported in the literature or in a large population database (gnomAD), indicating this variant is rare. At this time, the clinical significance of this variant is uncertain due to the absence of conclusive functional and genetic evidence.